The following is an entry in ClinVar:

NM_001267550.2(TTN):c.81522_81529del (p.Pro27174_Gly27175insTer)

Genes: TTN (titin; minus strand), TTN-AS1 (TTN antisense RNA 1; plus strand). Cytogenetic location: 2q31.2.
Variant type: Deletion.
Coding change: c.81522_81529del on transcript NM_001267550.2 (MANE Select); coding-DNA positions 81522 to 81529, 8 bases deleted (TGGTCGCC; older notation c.81522_81529delTGGTCGCC).
Protein change: p.Pro27174_Gly27175insTer.
Molecular consequence: frameshift variant.
Genome position (GRCh38, 1-based): chr2:178,564,603-178,564,610, GGCGACCA deleted on the plus strand (TGGTCGCC on the coding strand, the reverse complement: TTN is on the minus strand); deleting any 8 consecutive bases within chr2:178,564,603-178,564,612 gives the same sequence; the c. name uses the placement nearest the transcript's 3' end. VCF-style (leftmost placement, unchanged base first): chr2-178564602-GGGCGACCA-G. GRCh37 (hg19) VCF-style: chr2-179429329-GGGCGACCA-G.
Other names: c.76599_76606del, p.Pro25533_Gly25534insTer (NM_001256850.1); c.54327_54334del, p.Pro18109_Gly18110insTer (NM_003319.4); c.73818_73825del, p.Pro24606_Gly24607insTer (NM_133378.4); c.54702_54709del, p.Pro18234_Gly18235insTer (NM_133432.3); c.54903_54910del, p.Pro18301_Gly18302insTer (NM_133437.4); c.54327_54334delTGGTCGCC (NM_003319.4).
Identifiers: ClinVar variation 1747504 (VCV001747504.2), dbSNP rs2468212825, ClinGen allele CA2580064780.
Genomic context (GRCh38, chr2:178,564,602, plus strand): 5'-TCATAGGCAGGTTTCTTCCATTTCAGTGTGACATTGTTTCTTGTAATAACAATGGCTTCA[GGGCGACCA>G]GGTGGGTCACATGGATCACGAGCAACAAAGCATTCTGACACTTTGCTAGGCTTGCCAATG-3'

ClinVar aggregate classification (germline): Likely pathogenic (1 of 4 stars; one submission).

Conditions:
Cardiovascular phenotype. Identifiers: MedGen CN230736.

Submission:

Ambry Genetics
Classification: Likely pathogenic for Cardiovascular phenotype. Last evaluated: 2021-02-24. Review status: criteria provided, single submitter. Criteria: Ambry Variant Classification Scheme 2023. Collection method: clinical testing. Allele origin: germline.
Comment: The c.54327_54334delTGGTCGCC variant, located in coding exon 153 of the TTN gene, results from a deletion of 8 nucleotides at nucleotide positions 54327 to 54334, causing a translational frameshift with a predicted alternate stop codon (p.G18110*). This exon is located in the A-band region of the N2-B isoform of the titin protein and is constitutively expressed in TTN transcripts (percent spliced in or PSI 100%). This variant was not reported in population-based cohorts in the Genome Aggregation Database (gnomAD). This alteration is expected to result in loss of function by premature protein truncation or nonsense-mediated mRNA decay. While truncating variants in TTN are present in 1-3% of the general population, truncating variants in the A-band are the most common cause of dilated cardiomyopathy (DCM) (Herman DS et al. N. Engl. J. Med., 2012 Feb;366:619-28; Roberts AM et al. Sci Transl Med, 2015 Jan;7:270ra6). TTN truncating variants encoded in constitutive exons (PSI >90%) have been found to be significantly associated with DCM regardless of their position in titin (Schafer S et al. Nat. Genet., 2017 01;49:46-53). As such, this alteration is classified as likely pathogenic.